The following is an entry in ClinVar:

ClinVar aggregate classification (germline): Uncertain significance (1 of 4 stars; one submission).

Conditions:
Menkes kinky-hair syndrome (MNK). Also called: Copper transport disease; Menkes Disease; Classic Menkes Disease. Identifiers: Orphanet 565, MedGen C0022716, MONDO:0010651, OMIM 309400.
X-linked distal spinal muscular atrophy type 3. Also called: ATP7A-Related Distal Motor Neuropathy; SPINAL MUSCULAR ATROPHY, DISTAL, X-LINKED RECESSIVE; NEURONOPATHY, DISTAL HEREDITARY MOTOR, X-LINKED; NEUROPATHY, DISTAL HEREDITARY MOTOR, X-LINKED. Identifiers: Orphanet 139557, MedGen C1845359, MONDO:0010338, OMIM 300489.
Cutis laxa, X-linked (OHS). Also called: EDS IX; Occipital horn syndrome. Identifiers: Orphanet 198, MedGen C0268353, MONDO:0010572, OMIM 304150.

Submission:

Labcorp Genetics (formerly Invitae), Labcorp
Classification: Uncertain significance for X-linked distal spinal muscular atrophy type 3; Cutis laxa, X-linked; Menkes kinky-hair syndrome. Last evaluated: 2024-07-30. Review status: criteria provided, single submitter. Criteria: Invitae Variant Classification Sherloc (09022015). Collection method: clinical testing. Allele origin: germline.
Comment: This sequence change replaces glutamic acid, which is acidic and polar, with glycine, which is neutral and non-polar, at codon 583 of the ATP7A protein (p.Glu583Gly). This variant is not present in population databases (gnomAD no frequency). This variant has not been reported in the literature in individuals affected with ATP7A-related conditions. Advanced modeling of protein sequence and biophysical properties (such as structural, functional, and spatial information, amino acid conservation, physicochemical variation, residue mobility, and thermodynamic stability) has been performed at Invitae for this missense variant, however the output from this modeling did not meet the statistical confidence thresholds required to predict the impact of this variant on ATP7A protein function. In summary, the available evidence is currently insufficient to determine the role of this variant in disease. Therefore, it has been classified as a Variant of Uncertain Significance.

NM_000052.7(ATP7A):c.1748A>G (p.Glu583Gly)

Gene: ATP7A (ATPase copper transporting alpha; plus strand). Cytogenetic location: Xq21.1.
Variant type: single nucleotide variant.
Coding change: c.1748A>G on transcript NM_000052.7 (MANE Select); coding-DNA position 1748, A replaced by G.
Protein change: p.Glu583Gly; replaces glutamic acid 583 with glycine.
Molecular consequence: missense variant.
Genome position (GRCh38, 1-based): chrX:78,009,142, A>G. VCF-style: chrX-78009142-A-G. GRCh37 (hg19) VCF-style: chrX-77264639-A-G.
Other names: c.1748A>G, p.Glu583Gly (NM_001282224.2); short protein forms E583G.
Identifiers: ClinVar variation 3753805 (VCV003753805.2).
Genomic context (GRCh38, chrX:78,009,142, plus strand): 5'-AAATGCTTTGTCTTTAACAGGTGAGGGGAATGACGTGTGCCTCCTGCGTACATAAAATAG[A>G]GTCTAGTCTCACAAAACACAGAGGGATCCTATACTGCTCCGTGGCCCTGGCAACCAACAA-3'
Protein context (NP_000043.4, residues 573-593): MTCASCVHKI[Glu583Gly]SSLTKHRGIL